The following is an entry in ClinVar:

ClinVar aggregate classification (germline): Pathogenic (1 of 4 stars; one submission).

Submission:

ISCA site 15
Classification: Pathogenic. Last evaluated: 2011-08-12. Review status: criteria provided, single submitter. Criteria: Kaminsky et al. (Genet Med. 2011). Collection method: clinical testing. Allele origin: paternal. Affected: yes. Observed: 1 variant allele.
Comment: Copy number variation identified through the course of routine clinical cytogenomic testing in postnatal populations. Clinical assertions have been curated as described in Kaminsky et al. 2011.

GRCh38/hg38 22q11.21(chr22:18339130-21086225)x3

Genes: LRRC74B (leucine rich repeat containing 74B; plus strand), LRRC74BNL (LRRC74B N-terminal like; minus strand), LZTR1 (leucine zipper like post translational regulator 1; plus strand), MED15 (mediator complex subunit 15; plus strand), MIR1286 (microRNA 1286; minus strand) and 185 more. Cytogenetic location: 22q11.21.
Variant type: copy number gain.
Change: copy number 3 (three copies instead of two) of chr22:18,339,130-21,086,225 (2.75 Mb, GRCh38 coordinates, 1-based), cytogenetic band 22q11.21.
Identifiers: ClinVar variation 57593 (VCV000057593.1).